The following is an entry in ClinVar:

ClinVar aggregate classification (germline): Uncertain significance. Review status: criteria provided, multiple submitters, no conflicts (2 of 4 stars). 2 submissions from 2 submitters: Uncertain significance (2). Last evaluated 2023-10-11.

Conditions:
Inborn genetic diseases. Identifiers: MedGen C0950123, MeSH D030342.

Allele frequency attached by ClinVar (database versions not stated): TOPMed below 0.00001; gnomAD 0.00001; gnomAD exomes 0.00005; ExAC 0.00025.
gnomAD v4.1: 83 of 1,596,090 alleles (0.0052%); highest among the groups gnomAD compares: South Asian, 0.086%; no homozygotes.

Submissions (2):

GeneDx
Classification: Uncertain significance. Last evaluated: 2023-10-11. Review status: criteria provided, single submitter. Criteria: GeneDx Variant Classification Process June 2021. Collection method: clinical testing. Allele origin: germline. Affected: yes.
Comment: In silico analysis supports that this missense variant does not alter protein structure/function; Has not been previously published as pathogenic or benign to our knowledge

Ambry Genetics
Classification: Uncertain significance for Inborn genetic diseases. Last evaluated: 2022-07-27. Review status: criteria provided, single submitter. Criteria: Ambry Variant Classification Scheme 2023. Collection method: clinical testing. Allele origin: germline.

NM_004423.4(DVL3):c.1885G>A (p.Ala629Thr)

Gene: DVL3 (dishevelled segment polarity protein 3; plus strand). Cytogenetic location: 3q27.1.
Variant type: single nucleotide variant.
Coding change: c.1885G>A on transcript NM_004423.4 (MANE Select); coding-DNA position 1885, G replaced by A.
Protein change: p.Ala629Thr; replaces alanine 629 with threonine.
Molecular consequence: missense variant.
Genome position (GRCh38, 1-based): chr3:184,170,489, G>A. VCF-style: chr3-184170489-G-A. GRCh37 (hg19) VCF-style: chr3-183888277-G-A.
Other names: short protein forms A629T.
Identifiers: ClinVar variation 2303826 (VCV002303826.3), dbSNP rs765815457, ClinGen allele CA2727538.
Genomic context (GRCh38, chr3:184,170,489, plus strand): 5'-ACACGCAGCAGCCTGCGGGGGCCGCGGGAGCGGGCGCCCAGCGAGCGCTCAGGGCCGGCG[G>A]CCAGCGAGCACAGCCACCGCAGCCACCATTCCCTGGCCAGCAGCCTTCGCAGCCACCACA-3'
Protein context (NP_004414.3, residues 619-639): RAPSERSGPA[Ala629Thr]SEHSHRSHHS